The following is an entry in ClinVar:

ClinVar aggregate classification (germline): Uncertain significance. Review status: criteria provided, multiple submitters, no conflicts (2 of 4 stars). 2 submissions from 2 submitters: Uncertain significance (2). Last evaluated 2024-08-10.

Conditions:
Hereditary cancer-predisposing syndrome. Also called: Hereditary neoplastic syndrome; Tumor predisposition; Hereditary Cancer Syndrome; Neoplastic Syndromes, Hereditary. Identifiers: Orphanet 140162, MedGen C0027672, MeSH D009386, MONDO:0015356.
Microcephaly, normal intelligence and immunodeficiency (NBS). Also called: BERLIN BREAKAGE SYNDROME; SEEMANOVA SYNDROME II; Ataxia telangiectasia variant V1; IMMUNODEFICIENCY, MICROCEPHALY, AND CHROMOSOMAL INSTABILITY; Immunodeficiency, microcephaly with normal intelligence; Nijmegen breakage syndrome. Identifiers: Orphanet 647, MedGen C0398791, MONDO:0009623, OMIM 251260.

Submissions (2):

Ambry Genetics
Classification: Uncertain significance for Hereditary cancer-predisposing syndrome. Last evaluated: 2024-08-10. Review status: criteria provided, single submitter. Criteria: Ambry Variant Classification Scheme 2023. Collection method: clinical testing. Allele origin: germline.
Comment: The p.C285G variant (also known as c.853T>G), located in coding exon 7 of the NBN gene, results from a T to G substitution at nucleotide position 853. The cysteine at codon 285 is replaced by glycine, an amino acid with highly dissimilar properties. This amino acid position is conserved. In addition, this alteration is predicted to be tolerated by in silico analysis. Based on the available evidence, the clinical significance of this variant remains unclear.

Labcorp Genetics (formerly Invitae), Labcorp
Classification: Uncertain significance for Microcephaly, normal intelligence and immunodeficiency. Last evaluated: 2018-01-17. Review status: criteria provided, single submitter. Criteria: Invitae Variant Classification Sherloc (09022015). Collection method: clinical testing. Allele origin: germline.
Comment: This sequence change replaces cysteine with glycine at codon 285 of the NBN protein (p.Cys285Gly). The cysteine residue is weakly conserved and there is a large physicochemical difference between cysteine and glycine. In summary, the available evidence is currently insufficient to determine the role of this variant in disease. Therefore, it has been classified as a Variant of Uncertain Significance. Algorithms developed to predict the effect of missense changes on protein structure and function (SIFT, PolyPhen-2, Align-GVGD) all suggest that this variant is likely to be tolerated, but these predictions have not been confirmed by published functional studies and their clinical significance is uncertain. This variant has not been reported in the literature in individuals with NBN-related disease. This variant is not present in population databases (ExAC no frequency).

NM_002485.5(NBN):c.853T>G (p.Cys285Gly)

Gene: NBN (nibrin; minus strand). Cytogenetic location: 8q21.3.
Variant type: single nucleotide variant.
Coding change: c.853T>G on transcript NM_002485.5 (MANE Select); coding-DNA position 853, T replaced by G.
Protein change: p.Cys285Gly; replaces cysteine 285 with glycine.
Molecular consequence: missense variant.
Genome position (GRCh38, 1-based): chr8:89,970,407, A>C on the plus strand (T>G on the coding strand, the complement: NBN is on the minus strand). VCF-style: chr8-89970407-A-C. GRCh37 (hg19) VCF-style: chr8-90982635-A-C.
Other names: c.607T>G, p.Cys203Gly (NM_001024688.3); short protein forms C285G, C203G.
Identifiers: ClinVar variation 576339 (VCV000576339.9), dbSNP rs1563559186, ClinGen allele CA371658388.